The following is an entry in ClinVar:

NM_022455.5(NSD1):c.7405del (p.Ala2469fs)

Gene: NSD1 (nuclear receptor binding SET domain protein 1; plus strand). Cytogenetic location: 5q35.3.
Variant type: Deletion.
Coding change: c.7405del on transcript NM_022455.5 (MANE Select); coding-DNA position 7405, one base deleted (G; older notation c.7405delG).
Protein change: p.Ala2469fs; shifts the reading frame from alanine 2469.
Molecular consequence: frameshift variant.
Genome position (GRCh38, 1-based): chr5:177,294,773, G deleted; the last of 3 consecutive G bases (chr5:177,294,771-177,294,773); deleting any one gives the same sequence. VCF-style (leftmost placement, unchanged base first): chr5-177294770-CG-C. GRCh37 (hg19) VCF-style: chr5-176721771-CG-C.
Other names: c.6532delG, p.Ala2178Glnfs (NM_001365684.2, NM_001409308.1, NM_172349.5); c.7405delG, p.Ala2469Glnfs (NM_001409301.1, NM_001409302.1, NM_001409303.1); c.6985delG, p.Ala2329Glnfs (NM_001409304.1); c.6652delG, p.Ala2218Glnfs (NM_001409305.1); c.6643delG, p.Ala2215Glnfs (NM_001409306.1, NM_001409307.1); c.6283delG, p.Ala2095Glnfs (NM_001409309.1); short protein forms A2200fs, A2469fs.
Identifiers: ClinVar variation 1699430 (VCV001699430.3), dbSNP rs2127282737, ClinGen allele CA923726196.

ClinVar aggregate classification (germline): Pathogenic (1 of 4 stars; one submission).

Conditions:
Sotos syndrome (SOTOS). Also called: CEREBRAL GIGANTISM; Sotos' syndrome; Distinctive facial appearance, overgrowth in childhood, and learning disabilities or delayed development; CHROMOSOME 5q35 DELETION SYNDROME; SOTOS SYNDROME 1. Identifiers: Orphanet 821, MedGen C0175695, MONDO:0019349, OMIM 117550.

Submission:

Victorian Clinical Genetics Services, Murdoch Childrens Research Institute
Classification: Pathogenic. Last evaluated: 2020-05-21. Review status: criteria provided, single submitter. Criteria: ACMG Guidelines, 2015. Collection method: clinical testing. Allele origin: germline. Inheritance: Autosomal dominant inheritance. Affected: yes.
Comment: A heterozygous deletion variant was identified, NM_022455.4(NSD1):c.7405del in exon 23 of 23 of the NSD1 gene. This deletion is predicted to cause a frameshift from amino acid position 2469 introducing a stop codon downstream; NP_071900.2(NSD1):p.(Ala2469Glnfs*109), resulting in loss of normal protein function through truncation (PDB). The variant is not present in the gnomAD population database. The variant has not been previously observed in clinical cases. Other variants predicted to cause a truncated protein have been reported as pathogenic in individuals with Sotos syndrome (ClinVar, de Boer, L. et al. (2004), Cecconi, M. et al (2005)). Based on information available at the time of curation, this variant has been classified as PATHOGENIC.

Literature cited by the submitters: PubMed 15452385; PubMed 15742365.